The following is an entry in ClinVar:

NM_004364.5(CEBPA):c.72C>G (p.His24Gln)

Gene: CEBPA (CCAAT enhancer binding protein alpha; minus strand). Cytogenetic location: 19q13.11.
Variant type: single nucleotide variant.
Coding change: c.72C>G on transcript NM_004364.5 (MANE Select); coding-DNA position 72, C replaced by G.
Protein change: p.His24Gln; replaces histidine 24 with glutamine.
Molecular consequence: missense variant. On other transcripts: 5 prime UTR variant (1).
Genome position (GRCh38, 1-based): chr19:33,302,343, G>C on the plus strand (C>G on the coding strand, the complement: CEBPA is on the minus strand). VCF-style: chr19-33302343-G-C. GRCh37 (hg19) VCF-style: chr19-33793249-G-C.
Other names: c.-286C>G (NM_001285829.2); c.177C>G, p.His59Gln (NM_001287424.2); c.30C>G, p.His10Gln (NM_001287435.2); short protein forms H59Q, H24Q, H10Q.
Identifiers: ClinVar variation 1513730 (VCV001513730.8), dbSNP rs1555742309, ClinGen allele CA405275735.

ClinVar aggregate classification (germline): Uncertain significance (1 of 4 stars; one submission).

Conditions:
Acute myeloid leukemia (AML). Also called: Leukemia, acute myeloid, somatic; Leukemia, acute myelogenous, somatic; Acute myeloid leukemia, adult; AML adult; Acute non-lymphocytic leukemia; Acute granulocytic leukemia. Identifiers: Orphanet 519, MedGen C0023467, MeSH D015470, MONDO:0018874, OMIM 601626, HP:0004808. Disease mechanism: Constitutively activated FLT3.

gnomAD v4.1: 1 of 1,349,752 alleles (0.000074%); highest among the groups gnomAD compares: Non-Finnish European, 0.000095%; no homozygotes.

Submission:

Labcorp Genetics (formerly Invitae), Labcorp
Classification: Uncertain significance for Acute myeloid leukemia. Last evaluated: 2023-09-17. Review status: criteria provided, single submitter. Criteria: Invitae Variant Classification Sherloc (09022015). Collection method: clinical testing. Allele origin: germline.
Comment: In summary, the available evidence is currently insufficient to determine the role of this variant in disease. Therefore, it has been classified as a Variant of Uncertain Significance. An algorithm developed to predict the effect of missense changes on protein structure and function (PolyPhen-2) suggests that this variant is likely to be tolerated. ClinVar contains an entry for this variant (Variation ID: 1513730). This variant has not been reported in the literature in individuals affected with CEBPA-related conditions. This variant is not present in population databases (gnomAD no frequency). This sequence change replaces histidine, which is basic and polar, with glutamine, which is neutral and polar, at codon 24 of the CEBPA protein (p.His24Gln).